The following is an entry in ClinVar:

ClinVar aggregate classification (germline): Uncertain significance. Review status: criteria provided, multiple submitters, no conflicts (2 of 4 stars). 2 submissions from 2 submitters: Uncertain significance (2). Last evaluated 2025-09-29.

Conditions:
Emery-Dreifuss muscular dystrophy (EDMD). Also called: Scapuloperoneal syndrome, X-linked (formerly); Humeroperoneal neuromuscular disease, (formerly). Identifiers: Orphanet 261, MedGen C0410189, MONDO:0016830.

Allele frequency attached by ClinVar (database versions not stated): TOPMed 0.00015; ESP Exome Variant Server 0.00016; gnomAD 0.00017; gnomAD exomes 0.00018 and 0.00023; 1000 Genomes Project 0.00020; ExAC 0.00023; 1000 Genomes Project 30x 0.00047.
gnomAD v4.1: 369 of 1,609,982 alleles (0.023%); highest among the groups gnomAD compares: East Asian, 0.036%; no homozygotes.

Submissions (2):

Labcorp Genetics (formerly Invitae), Labcorp
Classification: Uncertain significance for Emery-Dreifuss muscular dystrophy. Last evaluated: 2025-09-29. Review status: criteria provided, single submitter. Criteria: Invitae Variant Classification Sherloc (09022015). Collection method: clinical testing. Allele origin: germline.
Comment: This sequence change replaces glycine, which is neutral and non-polar, with arginine, which is basic and polar, at codon 406 of the SUN1 protein (p.Gly406Arg). This variant is present in population databases (rs201437034, gnomAD 0.07%), and has an allele count higher than expected for a pathogenic variant. This variant has not been reported in the literature in individuals affected with SUN1-related conditions. ClinVar contains an entry for this variant (Variation ID: 1015187). An algorithm developed to predict the effect of missense changes on protein structure and function outputs the following: PolyPhen-2: "Benign". The arginine amino acid residue is found in multiple mammalian species, which suggests that this missense change does not adversely affect protein function. In summary, the available evidence is currently insufficient to determine the role of this variant in disease. Therefore, it has been classified as a Variant of Uncertain Significance.

Ambry Genetics
Classification: Uncertain significance. Last evaluated: 2021-08-10. Review status: criteria provided, single submitter. Criteria: Ambry Variant Classification Scheme 2023. Collection method: clinical testing. Allele origin: germline.

NM_001130965.3(SUN1):c.1216G>A (p.Gly406Arg)

Gene: SUN1 (Sad1 and UNC84 domain containing 1; plus strand). Cytogenetic location: 7p22.3.
Variant type: single nucleotide variant.
Coding change: c.1216G>A on transcript NM_001130965.3 (MANE Select); coding-DNA position 1216, G replaced by A.
Protein change: p.Gly406Arg; replaces glycine 406 with arginine.
Molecular consequence: missense variant. On other transcripts: non-coding transcript variant (3).
Genome position (GRCh38, 1-based): chr7:853,571, G>A. VCF-style: chr7-853571-G-A. GRCh37 (hg19) VCF-style: chr7-893208-G-A.
Other names: c.1177G>A, p.Gly393Arg (NM_001367667.1, NM_001367689.1, NM_001367645.1); c.1258G>A, p.Gly420Arg (NM_001367668.1, NM_001367647.1); c.1243G>A, p.Gly415Arg (NM_001367669.1); c.1066G>A, p.Gly356Arg (NM_001367670.1, NM_001367660.1); c.1063G>A, p.Gly355Arg (NM_001367671.1, NM_001367662.1); c.1216G>A, p.Gly406Arg (NM_001367672.1, NM_001367633.1, NM_001367634.1 and 1 more transcripts); c.1348G>A, p.Gly450Arg (NM_001367673.1, NM_001367706.1); c.1414G>A, p.Gly472Arg (NM_001367674.1); and 39 more; short protein forms G168R, G217R, G253R, G289R, G303R, G323R, G350R, G355R.
Identifiers: ClinVar variation 1015187 (VCV001015187.10), dbSNP rs201437034, ClinGen allele CA4112098.
Genomic context (GRCh38, chr7:853,571, plus strand): 5'-CTGACCACTTTGCTACAGAAGCTGCAGGCTCGGGTGGACCAGATGGAAGGCGGCGCTGCC[G>A]GGCCGTCAGCTTCGGTCAGAGACGCTGTGGGACAGCCCCCGAGGGAGGTGGGTGCTGCCG-3'
Protein context (NP_001124437.1, residues 396-416): RVDQMEGGAA[Gly406Arg]PSASVRDAVG